The following is an entry in ClinVar:

ClinVar aggregate classification (germline): Uncertain significance (1 of 4 stars; one submission).

Conditions:
PRPH2-related disorder. Also called: PRPH2-related disorders; PRPH2-related condition. Identifiers: MedGen CN239395.

Submission:

3billion
Classification: Uncertain significance for PRPH2-related disorder. Last evaluated: 2025-06-25. Review status: criteria provided, single submitter. Criteria: ACMG Guidelines, 2015. Collection method: clinical testing. Allele origin: germline. Affected: yes.
Comment: The variant is not observed in the gnomAD v4.1.0 dataset. Predicted Consequence/Location: Missense variant. The variant has been reported to be associated with PRPH2-related disorder (3billion dataset). However, the evidence of pathogenicity is insufficient at this time. Therefore, this variant is classified as VUS according to the recommendation of ACMG/AMP guideline.

Literature cited by the submitters: PubMed 8485576.

NM_000322.5(PRPH2):c.772_774delinsCAA (p.Tyr258Gln)

Gene: PRPH2 (peripherin 2; minus strand). Cytogenetic location: 6p21.1.
Variant type: Indel.
Coding change: c.772_774delinsCAA on transcript NM_000322.5 (MANE Select); coding-DNA positions 772 to 774, TAC replaced by CAA.
Protein change: p.Tyr258Gln; replaces tyrosine 258 with glutamine.
Molecular consequence: missense variant.
Genome position (GRCh38, 1-based): chr6:42,704,419-42,704,421, GTA replaced by TTG on the plus strand (TAC replaced by CAA on the coding strand, the reverse complement: PRPH2 is on the minus strand). VCF-style: chr6-42704419-GTA-TTG. GRCh37 (hg19) VCF-style: chr6-42672157-GTA-TTG.
Other names: short protein forms Y258Q.
Identifiers: ClinVar variation 3775885 (VCV003775885.3).